The following is an entry in ClinVar:

ClinVar aggregate classification (germline): Uncertain significance (0 of 4 stars; one submission).

Submission:

Department of Pathology and Laboratory Medicine, Sinai Health System
Classification: Uncertain significance. Review status: no assertion criteria provided. Collection method: clinical testing. Allele origin: unknown. Affected: yes. Study: The Canadian Open Genetics Repository (COGR).
Comment: The GNAS p.Pro79Ala variant was not identified in the literature nor was it identified in ClinVar. The variant was identified in dbSNP (ID: rs942980796). The variant was not identified in the following control databases: the 1000 Genomes Project, the NHLBI GO Exome Sequencing Project, or the Genome Aggregation Database (March 6, 2019, v2.1.1).The p.Pro79 residue is not conserved in mammals and computational analyses (PolyPhen-2, SIFT, AlignGVGD, BLOSUM, MutationTaster) do not suggest a high likelihood of impact to the protein; this information is not predictive enough to rule out pathogenicity. The variant occurs outside of the splicing consensus sequence and in silico or computational prediction software programs (SpliceSiteFinder, MaxEntScan, NNSPLICE, GeneSplicer) do not predict a difference in splicing. In summary, based on the above information the clinical significance of this variant cannot be determined with certainty at this time. This variant is classified as a variant of uncertain significance.

NM_080425.4(GNAS):c.422C>G (p.Pro141Arg)

Gene: GNAS (GNAS complex locus; plus strand). Cytogenetic location: 20q13.32.
Variant type: single nucleotide variant.
Coding change: c.422C>G on transcript NM_080425.4 (MANE Plus Clinical); coding-DNA position 422, C replaced by G.
Protein change: p.Pro141Arg; replaces proline 141 with arginine.
Molecular consequence: missense variant. On other transcripts: intron variant (3).
Genome position (GRCh38, 1-based): chr20:58,853,687, C>G. VCF-style: chr20-58853687-C-G. GRCh37 (hg19) VCF-style: chr20-57428742-C-G.
Other names: c.*42+12801C>G (NM_016592.5); c.43+12801C>G (NM_001410912.1); c.-39+11812C>G (NM_001309861.2); c.235C>G, p.Pro79Ala (NM_001077490.3, NM_001309883.1); c.422C>G, p.Pro141Arg (NM_001410913.1); short protein forms P141R, P79A.
Identifiers: ClinVar variation 1050690 (VCV001050690.3), dbSNP rs942980796, ClinGen allele CA316341521.